The following is an entry in ClinVar:

ClinVar aggregate classification (germline): Uncertain significance (1 of 4 stars; one submission).

Submission:

Labcorp Genetics (formerly Invitae), Labcorp
Classification: Uncertain significance. Last evaluated: 2025-06-04. Review status: criteria provided, single submitter. Criteria: Invitae Variant Classification Sherloc (09022015). Collection method: clinical testing. Allele origin: germline.
Comment: This sequence change replaces arginine, which is basic and polar, with lysine, which is basic and polar, at codon 202 of the CASZ1 protein (p.Arg202Lys). This variant is present in population databases (rs150116767, gnomAD 0.002%). This variant has not been reported in the literature in individuals affected with CASZ1-related conditions. ClinVar contains an entry for this variant (Variation ID: 3615375). An algorithm developed to predict the effect of missense changes on protein structure and function outputs the following: PolyPhen-2: "Benign". The lysine amino acid residue is found in multiple mammalian species, which suggests that this missense change does not adversely affect protein function. In summary, the available evidence is currently insufficient to determine the role of this variant in disease. Therefore, it has been classified as a Variant of Uncertain Significance.

NM_001079843.3(CASZ1):c.605G>A (p.Arg202Lys)

Gene: CASZ1 (castor zinc finger 1; minus strand). Cytogenetic location: 1p36.22.
Variant type: single nucleotide variant.
Coding change: c.605G>A on transcript NM_001079843.3 (MANE Select); coding-DNA position 605, G replaced by A.
Protein change: p.Arg202Lys; replaces arginine 202 with lysine.
Molecular consequence: missense variant.
Genome position (GRCh38, 1-based): chr1:10,660,437, C>T on the plus strand (G>A on the coding strand, the complement: CASZ1 is on the minus strand). VCF-style: chr1-10660437-C-T. GRCh37 (hg19) VCF-style: chr1-10720494-C-T.
Other names: c.605G>A, p.Arg202Lys (NM_017766.5); short protein forms R202K.
Identifiers: ClinVar variation 3615375 (VCV003615375.2).